The following is an entry in ClinVar:

NM_020795.4(NLGN2):c.1679C>G (p.Thr560Ser)

Gene: NLGN2 (neuroligin 2; plus strand). Cytogenetic location: 17p13.1.
Variant type: single nucleotide variant.
Coding change: c.1679C>G on transcript NM_020795.4 (MANE Select); coding-DNA position 1679, C replaced by G.
Protein change: p.Thr560Ser; replaces threonine 560 with serine.
Molecular consequence: missense variant.
Genome position (GRCh38, 1-based): chr17:7,416,970, C>G. VCF-style: chr17-7416970-C-G. GRCh37 (hg19) VCF-style: chr17-7320289-C-G.
Other names: short protein forms T560S.
Identifiers: ClinVar variation 4802939 (VCV004802939.1).

ClinVar aggregate classification (germline): Uncertain significance (1 of 4 stars; one submission).

Submission:

Labcorp Genetics (formerly Invitae), Labcorp
Classification: Uncertain significance. Last evaluated: 2026-01-07. Review status: criteria provided, single submitter. Criteria: Invitae Variant Classification Sherloc (09022015). Collection method: clinical testing. Allele origin: germline.
Comment: This sequence change replaces threonine, which is neutral and polar, with serine, which is neutral and polar, at codon 560 of the NLGN2 protein (p.Thr560Ser). This variant is not present in population databases (gnomAD no frequency). This variant has not been reported in the literature in individuals affected with NLGN2-related conditions. Invitae Evidence Modeling of protein sequence and biophysical properties (such as structural, functional, and spatial information, amino acid conservation, physicochemical variation, residue mobility, and thermodynamic stability) indicates that this missense variant is expected to disrupt NLGN2 protein function with a positive predictive value of 80%. In summary, the available evidence is currently insufficient to determine the role of this variant in disease. Therefore, it has been classified as a Variant of Uncertain Significance.